The following is an entry in ClinVar:

NM_130384.3(ATRIP):c.32G>C (p.Arg11Thr)

Genes: ATRIP (ATR interacting protein; plus strand), ATRIP-TREX1 (ATRIP-TREX1 readthrough; plus strand), LOC129936703 (ATAC-STARR-seq lymphoblastoid silent region 14331; plus strand). Cytogenetic location: 3p21.31.
Variant type: single nucleotide variant.
Coding change: c.32G>C on transcript NM_130384.3 (MANE Select); coding-DNA position 32, G replaced by C.
Protein change: p.Arg11Thr; replaces arginine 11 with threonine.
Molecular consequence: missense variant. On other transcripts: non-coding transcript variant (1), intron variant (1).
Genome position (GRCh38, 1-based): chr3:48,446,877, G>C. VCF-style: chr3-48446877-G-C. GRCh37 (hg19) VCF-style: chr3-48488281-G-C.
Other names: c.32G>C (NM_130384.1); c.32G>C, p.Arg11Thr (NM_032166.4); c.-218+78G>C (NM_001271022.2); short protein forms R11T.
Identifiers: ClinVar variation 3000602 (VCV003000602.5), dbSNP rs757688146, ClinGen allele CA2375864.
Genomic context (GRCh38, chr3:48,446,877, plus strand): 5'-CTGTCGGATACTTGGGGTGAGCGGAAAGCATGGCGGGGACCTCCGCGCCAGGCAGCAAGA[G>C]GCGGAGCGAGCCCCCGGCGCCTCGCCCCGGCCCGCCGCCGGGCACCGGGCACCCCCCGAG-3'
Protein context (NP_569055.1, residues 1-21): MAGTSAPGSK[Arg11Thr]RSEPPAPRPG

ClinVar aggregate classification (germline): Uncertain significance. Review status: criteria provided, multiple submitters, no conflicts (2 of 4 stars). 2 submissions from 2 submitters: Uncertain significance (2). Last evaluated 2025-10-02.

gnomAD v4.1: 15 of 1,401,080 alleles (0.0011%); highest among the groups gnomAD compares: South Asian, 0.0019%; no homozygotes.

Submissions (2):

Ambry Genetics
Classification: Uncertain significance. Last evaluated: 2025-10-02. Review status: criteria provided, single submitter. Criteria: Ambry Variant Classification Scheme 2023. Collection method: clinical testing. Allele origin: germline.

Labcorp Genetics (formerly Invitae), Labcorp
Classification: Uncertain significance. Last evaluated: 2022-10-20. Review status: criteria provided, single submitter. Criteria: Invitae Variant Classification Sherloc (09022015). Collection method: clinical testing. Allele origin: germline.
Comment: This variant is present in population databases (rs757688146, gnomAD no frequency). This sequence change replaces arginine, which is basic and polar, with threonine, which is neutral and polar, at codon 11 of the ATRIP protein (p.Arg11Thr). This variant has not been reported in the literature in individuals affected with ATRIP-related conditions. Algorithms developed to predict the effect of missense changes on protein structure and function are either unavailable or do not agree on the potential impact of this missense change (SIFT: "Tolerated"; PolyPhen-2: "Probably Damaging"; Align-GVGD: "Class C0"). In summary, the available evidence is currently insufficient to determine the role of this variant in disease. Therefore, it has been classified as a Variant of Uncertain Significance.